The following is an entry in ClinVar:

ClinVar aggregate classification (germline): Uncertain significance (1 of 4 stars; one submission).

Submission:

GeneDx
Classification: Uncertain significance. Last evaluated: 2024-04-19. Review status: criteria provided, single submitter. Criteria: GeneDx Variant Classification Process June 2021. Collection method: clinical testing. Allele origin: germline. Affected: yes.
Comment: Not observed at significant frequency in large population cohorts (gnomAD); In silico analysis supports a deleterious effect on splicing; Has not been previously published as pathogenic or benign to our knowledge

NM_173560.4(RFX6):c.224-5A>G

Gene: RFX6 (regulatory factor X6; plus strand). Cytogenetic location: 6q22.1.
Variant type: single nucleotide variant.
Coding change: c.224-5A>G on transcript NM_173560.4 (MANE Select); 5 bases into the intron before coding-DNA position 224, A replaced by G.
Molecular consequence: intron variant.
Genome position (GRCh38, 1-based): chr6:116,877,791, A>G. VCF-style: chr6-116877791-A-G. GRCh37 (hg19) VCF-style: chr6-117198954-A-G.
Identifiers: ClinVar variation 3372372 (VCV003372372.1).